The following is an entry in ClinVar:

ClinVar aggregate classification (germline): Uncertain significance (1 of 4 stars; one submission).

Submission:

GeneDx
Classification: Uncertain significance. Last evaluated: 2026-04-21. Review status: criteria provided, single submitter. Criteria: GeneDx Variant Classification Process June 2021. Collection method: clinical testing. Allele origin: germline.
Comment: Not observed at significant frequency in large population cohorts (gnomAD); In silico analysis supports that this missense variant has a deleterious effect on protein structure/function; Has not been previously published as pathogenic or benign to our knowledge

NM_016032.4(ZDHHC9):c.614A>C (p.Tyr205Ser)

Gene: ZDHHC9 (zDHHC palmitoyltransferase 9; minus strand). Cytogenetic location: Xq26.1.
Variant type: single nucleotide variant.
Coding change: c.614A>C on transcript NM_016032.4 (MANE Select); coding-DNA position 614, A replaced by C.
Protein change: p.Tyr205Ser; replaces tyrosine 205 with serine.
Molecular consequence: missense variant.
Genome position (GRCh38, 1-based): chrX:129,814,669, T>G on the plus strand (A>C on the coding strand, the complement: ZDHHC9 is on the minus strand). VCF-style: chrX-129814669-T-G. GRCh37 (hg19) VCF-style: chrX-128948645-T-G.
Other names: c.614A>C, p.Tyr205Ser (NM_001008222.3); short protein forms Y205S.
Identifiers: ClinVar variation 5037517 (VCV005037517.1).
Genomic context (GRCh38, chrX:129,814,669, plus strand): 5'-TCCCCCACCCAGCCCCACTCCAACAACGGACACTGCCCTGTATACTCACTGAGGGCCACA[T>G]AGACGATGTTGAAGGCGAAGACATAGATTGTGAGGAGGGAGAGAGAAAGGATGAAGAGGT-3'
Protein context (NP_057116.2, residues 195-215): TIYVFAFNIV[Tyr205Ser]VALKSLKIGF